The following is an entry in ClinVar:

ClinVar aggregate classification (germline): Conflicting classifications of pathogenicity. Review status: criteria provided, conflicting classifications (1 of 4 stars). 2 submissions from 2 submitters: Uncertain significance (1); Likely benign (1). Last evaluated 2026-01-12.

Conditions:
Symmetrical dyschromatosis of extremities (DSH). Also called: SYMMETRIC DYSCHROMATOSIS OF THE EXTREMITIES; Dyschromatosis symmetrica hereditaria; RETICULATE ACROPIGMENTATION OF DOHI; DYSCHROMATOSIS SYMMETRICA HEREDITARIA 1. Identifiers: Orphanet 41, MedGen C0406775, MONDO:0007483, OMIM 127400.
Aicardi-Goutieres syndrome 6 (AGS6). Identifiers: Orphanet 51, MedGen C3539013, MONDO:0014007, OMIM 615010.

Allele frequency attached by ClinVar (database versions not stated): TOPMed 0.00002; gnomAD exomes 0.00003 and 0.00008; ExAC 0.00005; gnomAD 0.00005 and 0.00006; ESP Exome Variant Server 0.00008.
gnomAD v4.1: 122 of 1,614,082 alleles (0.0076%); highest among the groups gnomAD compares: Middle Eastern, 0.066%; no homozygotes.

Submissions (2):

Labcorp Genetics (formerly Invitae), Labcorp
Classification: Uncertain significance for Aicardi-Goutieres syndrome 6; Symmetrical dyschromatosis of extremities. Last evaluated: 2026-01-12. Review status: criteria provided, single submitter. Criteria: Invitae Variant Classification Sherloc (09022015). Collection method: clinical testing. Allele origin: germline.
Comment: This sequence change replaces asparagine, which is neutral and polar, with aspartic acid, which is acidic and polar, at codon 398 of the ADAR protein (p.Asn398Asp). This variant is present in population databases (rs371050239, gnomAD 0.008%). This variant has not been reported in the literature in individuals affected with ADAR-related conditions. ClinVar contains an entry for this variant (Variation ID: 966255). Invitae Evidence Modeling of protein sequence and biophysical properties (such as structural, functional, and spatial information, amino acid conservation, physicochemical variation, residue mobility, and thermodynamic stability) indicates that this missense variant is not expected to disrupt ADAR protein function with a negative predictive value of 80%. In summary, the available evidence is currently insufficient to determine the role of this variant in disease. Therefore, it has been classified as a Variant of Uncertain Significance.

CeGaT Center for Human Genetics Tuebingen
Classification: Likely benign. Last evaluated: 2023-10-01. Review status: criteria provided, single submitter. Criteria: CeGaT Center For Human Genetics Tuebingen Variant Classification Criteria Version 2. Collection method: clinical testing. Allele origin: germline. Affected: yes. Observed: 1 variant allele.
Comment: ADAR: BP4

NM_001111.5(ADAR):c.1192A>G (p.Asn398Asp)

Gene: ADAR (adenosine deaminase RNA specific; minus strand). Cytogenetic location: 1q21.3.
Variant type: single nucleotide variant.
Coding change: c.1192A>G on transcript NM_001111.5 (MANE Select); coding-DNA position 1192, A replaced by G.
Protein change: p.Asn398Asp; replaces asparagine 398 with aspartic acid.
Molecular consequence: missense variant.
Genome position (GRCh38, 1-based): chr1:154,601,450, T>C on the plus strand (A>G on the coding strand, the complement: ADAR is on the minus strand). VCF-style: chr1-154601450-T-C. GRCh37 (hg19) VCF-style: chr1-154573926-T-C.
Other names: c.307A>G, p.Asn103Asp (NM_001025107.3, NM_001193495.2, NM_001365046.1 and 3 more transcripts); c.1219A>G, p.Asn407Asp (NM_001365045.1); c.1192A>G, p.Asn398Asp (NM_015840.4, NM_015841.4); short protein forms N103D, N398D, N407D.
Identifiers: ClinVar variation 966255 (VCV000966255.32), dbSNP rs371050239, ClinGen allele CA1131574.
Genomic context (GRCh38, chr1:154,601,450, plus strand): 5'-TTATGACAGGTTCCTGCCCATTCTCCACTTTTTCTGTGGTTACCATGTTATTTGAGGCAT[T>C]TGATGTGGGTATATTACAGGTGAGGAACTCTGCGTTTCTTTTGGTCTCAGGGATTGCAGC-3'
Protein context (NP_001102.3, residues 388-408): EFLTCNIPTS[Asn398Asp]ASNNMVTTEK